The following is an entry in ClinVar:

NM_058172.6(ANTXR2):c.353C>A (p.Thr118Lys)

Gene: ANTXR2 (ANTXR cell adhesion molecule 2; minus strand). Cytogenetic location: 4q21.21.
Variant type: single nucleotide variant.
Coding change: c.353C>A on transcript NM_058172.6 (MANE Select); coding-DNA position 353, C replaced by A.
Protein change: p.Thr118Lys; replaces threonine 118 with lysine.
Molecular consequence: missense variant.
Genome position (GRCh38, 1-based): chr4:80,055,957, G>T on the plus strand (C>A on the coding strand, the complement: ANTXR2 is on the minus strand). VCF-style: chr4-80055957-G-T. GRCh37 (hg19) VCF-style: chr4-80977111-G-T.
Other names: c.353C>A, p.Thr118Lys (NM_001145794.2); c.122C>A, p.Thr41Lys (NM_001286780.2, NM_001286781.2); short protein forms T118K, T41K.
Identifiers: ClinVar variation 3340169 (VCV003340169.1).

ClinVar aggregate classification (germline): Uncertain significance (1 of 4 stars; one submission).

gnomAD v4.1: 1 of 1,565,672 alleles (0.000064%); highest among the groups gnomAD compares: Admixed American, 0.0019%; no homozygotes.

Submission:

GeneDx
Classification: Uncertain significance. Last evaluated: 2023-07-17. Review status: criteria provided, single submitter. Criteria: GeneDx Variant Classification Process June 2021. Collection method: clinical testing. Allele origin: germline. Affected: yes.
Comment: Not observed at significant frequency in large population cohorts (gnomAD); In silico analysis supports that this missense variant has a deleterious effect on protein structure/function; This variant is associated with the following publications: (PMID: 18222328)